The following is an entry in ClinVar:

ClinVar aggregate classification (germline): Pathogenic. Review status: criteria provided, multiple submitters, no conflicts (2 of 4 stars). 2 submissions from 2 submitters: Pathogenic (2). Last evaluated 2025-02-25.

Conditions:
Polycystic kidney disease, adult type (PKD1). Also called: Polycystic Kidney Disease 1, Autosomal Dominant; Polycystic kidney disease 1; Polycystic kidney disease 1, severe; POLYCYSTIC KIDNEY DISEASE 1 WITH OR WITHOUT POLYCYSTIC LIVER DISEASE; Polycystic Kidney, Autosomal Dominant; POLYCYSTIC KIDNEY DISEASE, ADULT, TYPE I. Identifiers: MedGen C3149841, MONDO:0008263, OMIM 173900.

Submissions (2):

Victorian Clinical Genetics Services, Murdoch Childrens Research Institute
Classification: Pathogenic for Polycystic kidney disease, adult type. Last evaluated: 2025-02-25. Review status: criteria provided, single submitter. Criteria: ACMG Guidelines, 2015. Collection method: clinical testing. Allele origin: germline. Affected: yes.
Comment: This variant is classified as Pathogenic. Evidence in support of pathogenic classification: Variant is predicted to cause nonsense-mediated decay (NMD) and loss of protein (premature termination codon is located at least 54 nucleotides upstream of the final exon-exon junction); Variant is absent from gnomAD (v2, v3 and v4); This variant has limited previous evidence of pathogenicity in an unrelated individual(s). An alternate nucleotide substitution (c.6684C>G) at this position with the same predicted protein outcome has been classified as pathogenic by a clinical laboratory in ClinVar; Other NMD-predicted variant(s) comparable to the one identified in this case have very strong previous evidence for pathogenicity (ClinVar, DECIPHER). Additional information: This variant is heterozygous; This gene is associated with autosomal dominant disease. Polycystic kidney disease 1 (MIM#173900) is predominantly caused by monoallelic variants, with rare reports of biallelic variants causing disease (OMIM); Loss of function is a known mechanism of disease in this gene and is associated with polycystic kidney disease 1 (MIM#173900); Inheritance information for this variant is not currently available in this individual.

Juno Genomics, Hangzhou Juno Genomics, Inc
Classification: Pathogenic for Polycystic kidney disease, adult type. Review status: criteria provided, single submitter. Criteria: ACMG Guidelines, 2015. Collection method: clinical testing. Allele origin: germline.
Comment: Null variant in a gene where loss of function (LOF) is a known mechanism of disease.;Absent from controls (or at extremely low frequency if recessive) in Genome Aggregation Database.;Patient's phenotype or family history is highly specific for a disease with a single genetic etiology.

NM_001009944.3(PKD1):c.6684C>A (p.Tyr2228Ter)

Gene: PKD1 (polycystin 1, transient receptor potential channel interacting; minus strand). Cytogenetic location: 16p13.3.
Variant type: single nucleotide variant.
Coding change: c.6684C>A on transcript NM_001009944.3 (MANE Select); coding-DNA position 6684, C replaced by A.
Protein change: p.Tyr2228Ter; replaces tyrosine 2228 with a stop codon.
Molecular consequence: nonsense.
Genome position (GRCh38, 1-based): chr16:2,108,483, G>T on the plus strand (C>A on the coding strand, the complement: PKD1 is on the minus strand). VCF-style: chr16-2108483-G-T. GRCh37 (hg19) VCF-style: chr16-2158484-G-T.
Other names: c.6684C>A, p.Tyr2228Ter (NM_000296.4); short protein forms Y2228*.
Identifiers: ClinVar variation 4531563 (VCV004531563.3).